The following is an entry in ClinVar:

NM_004974.4(KCNA2):c.1118C>A (p.Thr373Lys)

Gene: KCNA2 (potassium voltage-gated channel subfamily A member 2; minus strand). Cytogenetic location: 1p13.3.
Variant type: single nucleotide variant.
Coding change: c.1118C>A on transcript NM_004974.4 (MANE Select); coding-DNA position 1118, C replaced by A.
Protein change: p.Thr373Lys; replaces threonine 373 with lysine.
Molecular consequence: missense variant. On other transcripts: intron variant (1).
Genome position (GRCh38, 1-based): chr1:110,603,665, G>T on the plus strand (C>A on the coding strand, the complement: KCNA2 is on the minus strand). VCF-style: chr1-110603665-G-T. GRCh37 (hg19) VCF-style: chr1-111146287-G-T.
Other names: c.894+224C>A (NM_001204269.2); short protein forms T373K.
Identifiers: ClinVar variation 2825062 (VCV002825062.3), dbSNP rs1553181282, ClinGen allele CA341601769.

ClinVar aggregate classification (germline): Uncertain significance (1 of 4 stars; one submission).

Conditions:
Developmental and epileptic encephalopathy, 32 (DEE32). Also called: Epileptic encephalopathy, early infantile, 32. Identifiers: Orphanet 442835, MedGen C4225350, MONDO:0014607, OMIM 616366.

Submission:

Labcorp Genetics (formerly Invitae), Labcorp
Classification: Uncertain significance for Developmental and epileptic encephalopathy, 32. Last evaluated: 2024-10-31. Review status: criteria provided, single submitter. Criteria: Invitae Variant Classification Sherloc (09022015). Collection method: clinical testing. Allele origin: germline.
Comment: This sequence change replaces threonine, which is neutral and polar, with lysine, which is basic and polar, at codon 373 of the KCNA2 protein (p.Thr373Lys). This variant is not present in population databases (gnomAD no frequency). This variant has not been reported in the literature in individuals affected with KCNA2-related conditions. ClinVar contains an entry for this variant (Variation ID: 2825062). Invitae Evidence Modeling of protein sequence and biophysical properties (such as structural, functional, and spatial information, amino acid conservation, physicochemical variation, residue mobility, and thermodynamic stability) indicates that this missense variant is expected to disrupt KCNA2 protein function with a positive predictive value of 95%. In summary, the available evidence is currently insufficient to determine the role of this variant in disease. Therefore, it has been classified as a Variant of Uncertain Significance.